The following is an entry in ClinVar:

NM_005862.3(STAG1):c.46A>T (p.Thr16Ser)

Gene: STAG1 (STAG1 cohesin complex component; minus strand). Cytogenetic location: 3q22.3.
Variant type: single nucleotide variant.
Coding change: c.46A>T on transcript NM_005862.3 (MANE Select); coding-DNA position 46, A replaced by T.
Protein change: p.Thr16Ser; replaces threonine 16 with serine.
Molecular consequence: missense variant.
Genome position (GRCh38, 1-based): chr3:136,623,232, T>A on the plus strand (A>T on the coding strand, the complement: STAG1 is on the minus strand). VCF-style: chr3-136623232-T-A. GRCh37 (hg19) VCF-style: chr3-136342074-T-A.
Other names: short protein forms T16S.
Identifiers: ClinVar variation 2866714 (VCV002866714.3), dbSNP rs757683401, ClinGen allele CA2633308.

ClinVar aggregate classification (germline): Uncertain significance (1 of 4 stars; one submission).

Allele frequency attached by ClinVar (database versions not stated): gnomAD 0.00001; gnomAD exomes 0.00001; TOPMed 0.00001; ExAC 0.00002.
gnomAD v4.1: 6 of 1,613,020 alleles (0.00037%); highest among the groups gnomAD compares: Non-Finnish European, 0.00034%; no homozygotes.

Submission:

Labcorp Genetics (formerly Invitae), Labcorp
Classification: Uncertain significance. Last evaluated: 2023-11-19. Review status: criteria provided, single submitter. Criteria: Invitae Variant Classification Sherloc (09022015). Collection method: clinical testing. Allele origin: germline.
Comment: This sequence change replaces threonine, which is neutral and polar, with serine, which is neutral and polar, at codon 16 of the STAG1 protein (p.Thr16Ser). This variant is present in population databases (rs757683401, gnomAD 0.003%). This variant has not been reported in the literature in individuals affected with STAG1-related conditions. Advanced modeling of protein sequence and biophysical properties (such as structural, functional, and spatial information, amino acid conservation, physicochemical variation, residue mobility, and thermodynamic stability) performed at Invitae indicates that this missense variant is not expected to disrupt STAG1 protein function with a negative predictive value of 95%. In summary, the available evidence is currently insufficient to determine the role of this variant in disease. Therefore, it has been classified as a Variant of Uncertain Significance.